The following is an entry in ClinVar:

NM_003803.4(MYOM1):c.1322T>C (p.Ile441Thr)

Gene: MYOM1 (myomesin 1; minus strand). Cytogenetic location: 18p11.31.
Variant type: single nucleotide variant.
Coding change: c.1322T>C on transcript NM_003803.4 (MANE Select); coding-DNA position 1322, T replaced by C.
Protein change: p.Ile441Thr; replaces isoleucine 441 with threonine.
Molecular consequence: missense variant.
Genome position (GRCh38, 1-based): chr18:3,168,834, A>G on the plus strand (T>C on the coding strand, the complement: MYOM1 is on the minus strand). VCF-style: chr18-3168834-A-G. GRCh37 (hg19) VCF-style: chr18-3168832-A-G.
Other names: c.1322T>C, p.Ile441Thr (NM_019856.2); short protein forms I441T.
Identifiers: ClinVar variation 643875 (VCV000643875.11), dbSNP rs773743579, ClinGen allele CA8874991.
Genomic context (GRCh38, chr18:3,168,834, plus strand): 5'-CTTCGAATAAGAACCTAAGTGAGCATTCATTGTAAAGACTCACCGTTTCTGTACCACTGG[A>G]TCTCTGGCTGGAAATGTTTAATTTCAGGAGTGATGACAACACGACAGCCTAGACTCATTG-3'
Protein context (NP_003794.3, residues 431-451): TPEIKHFQPE[Ile441Thr]QWYRNGVPLS

ClinVar aggregate classification (germline): Uncertain significance. Review status: criteria provided, multiple submitters, no conflicts (2 of 4 stars). 3 submissions from 3 submitters: Uncertain significance (3). Last evaluated 2024-01-08.

Conditions:
Hypertrophic cardiomyopathy. Also called: HYPERTROPHIC MYOCARDIOPATHY. Identifiers: Orphanet 217569, MedGen C0007194, MeSH D002312, MONDO:0005045, HP:0001639.

Allele frequency attached by ClinVar (database versions not stated): gnomAD exomes below 0.00001; ExAC 0.00001.
gnomAD v4.1: 5 of 1,613,940 alleles (0.00031%); highest among the groups gnomAD compares: Middle Eastern, 0.066%; no homozygotes.

Submissions (3):

Labcorp Genetics (formerly Invitae), Labcorp
Classification: Uncertain significance for Hypertrophic cardiomyopathy. Last evaluated: 2024-01-08. Review status: criteria provided, single submitter. Criteria: Invitae Variant Classification Sherloc (09022015). Collection method: clinical testing. Allele origin: germline.
Comment: This sequence change replaces isoleucine, which is neutral and non-polar, with threonine, which is neutral and polar, at codon 441 of the MYOM1 protein (p.Ile441Thr). This variant is present in population databases (rs773743579, gnomAD 0.0009%). This variant has not been reported in the literature in individuals affected with MYOM1-related conditions. ClinVar contains an entry for this variant (Variation ID: 643875). Advanced modeling of protein sequence and biophysical properties (such as structural, functional, and spatial information, amino acid conservation, physicochemical variation, residue mobility, and thermodynamic stability) performed at Invitae indicates that this missense variant is not expected to disrupt MYOM1 protein function with a negative predictive value of 80%. In summary, the available evidence is currently insufficient to determine the role of this variant in disease. Therefore, it has been classified as a Variant of Uncertain Significance.

Ambry Genetics
Classification: Uncertain significance. Last evaluated: 2023-12-29. Review status: criteria provided, single submitter. Criteria: Ambry Variant Classification Scheme 2023. Collection method: clinical testing. Allele origin: germline.
Comment: The p.I441T variant (also known as c.1322T>C), located in coding exon 8 of the MYOM1 gene, results from a T to C substitution at nucleotide position 1322. The isoleucine at codon 441 is replaced by threonine, an amino acid with similar properties. This amino acid position is conserved. In addition, the in silico prediction for this alteration is inconclusive. Since supporting evidence is limited at this time, the clinical significance of this alteration remains unclear.

Breakthrough Genomics
Classification: Uncertain significance. Review status: criteria provided, single submitter. Criteria: ACMG Guidelines, 2015. Collection method: not provided. Allele origin: germline. Inheritance: Unknown mechanism. Affected: yes.